The following is an entry in ClinVar:

ClinVar aggregate classification (germline): Pathogenic (1 of 4 stars; one submission).

Conditions:
Intellectual disability, CASK-related, X-linked. Identifiers: MedGen CN043158.

Submission:

Labcorp Genetics (formerly Invitae), Labcorp
Classification: Pathogenic for Intellectual disability, CASK-related, X-linked. Last evaluated: 2023-10-07. Review status: criteria provided, single submitter. Criteria: Invitae Variant Classification Sherloc (09022015). Collection method: clinical testing. Allele origin: unknown.
Comment: This variant is a gross deletion of the genomic region encompassing exon(s) 3-6 of the CASK gene. This variant would be expected to be in-frame, preserving the integrity of the reading frame. This variant has not been reported in the literature in individuals affected with CASK-related conditions. This variant disrupts a region of the CASK protein in which other variant(s) (p.Glu102Gly) have been determined to be pathogenic (Invitae). This suggests that this is a clinically significant region of the protein, and that variants that disrupt it are likely to be disease-causing. For these reasons, this variant has been classified as Pathogenic.

NC_000023.10:g.(?_41530661)_(41646556_?)del

Genes: CASK (calcium/calmodulin dependent serine protein kinase; minus strand), GPR34 (G protein-coupled receptor 34; plus strand), GPR82 (G protein-coupled receptor 82; plus strand). Cytogenetic location: Xp11.4.
Variant type: Deletion.
Identifiers: ClinVar variation 3245328 (VCV003245328.1).